The following is an entry in ClinVar:

NM_001379500.1(COL18A1):c.3013_3014insGTAAGTCAGTGGGGAGTGGGCCCCGGGCAGAGGCCGCCTCGTGTGGCTTCGTGTTCCCACCTTGGTTTCTCTCCTGCAGCTATCAGCGTTCCCGGCCCCCCAGGCCCCCCAGGGCCCCCTTCATTTCCTGGCCCTCACAGGCAGAGTAAGTCAGTGGGGAGTGGGCCCCGGGCAGAGGCCGCCTCGTGTGGCTTCGTGTTCCCACCTTGGTTTCTCTCCTGCAG (p.Thr1005delinsSerLysSerValGlySerGlyProArgAlaGluAlaAlaSerCysGlyPheValPheProProTrpPheLeuSerCysSerTyrGlnArgSerArgProProArgProProArgAlaProPheIleSerTrpProSerGlnAlaGluTer)

Genes: COL18A1 (collagen type XVIII alpha 1 chain; plus strand), SLC19A1 (solute carrier family 19 member 1; minus strand). Cytogenetic location: 21q22.3.
Variant type: Duplication.
Coding change: c.3013_3014insGTAAGTCAGTGGGGAGTGGGCCCCGGGCAGAGGCCGCCTCGTGTGGCTTCGTGTTCCCACCTTGGTTTCTCTCCTGCAGCTATCAGCGTTCCCGGCCCCCCAGGCCCCCCAGGGCCCCCTTCATTTCCTGGCCCTCACAGGCAGAGTAAGTCAGTGGGGAGTGGGCCCCGGGCAGAGGCCGCCTCGTGTGGCTTCGTGTTCCCACCTTGGTTTCTCTCCTGCAG on transcript NM_001379500.1 (MANE Select); coding-DNA positions 3013 to 3014, GTAAGTCAGTGGGGAGTGGGCCCCGGGCAGAGGCCGCCTCGTGTGGCTTCGTGTTCCCACCTTGGTTTCTCTCCTGCAGCTATCAGCGTTCCCGGCCCCCCAGGCCCCCCAGGGCCCCCTTCATTTCCTGGCCCTCACAGGCAGAGTAAGTCAGTGGGGAGTGGGCCCCGGGCAGAGGCCGCCTCGTGTGGCTTCGTGTTCCCACCTTGGTTTCTCTCCTGCAG inserted.
Protein change: p.Thr1005delinsSerLysSerValGlySerGlyProArgAlaGluAlaAlaSerCysGlyPheValPheProProTrpPheLeuSerCysSerTyrGlnArgSerArgProProArgProProArgAlaProPheIleSerTrpProSerGlnAlaGluTer.
Molecular consequence: nonsense, splice acceptor variant, splice donor variant.
Genome position: GRCh38: chr21:45,505,232-45,505,376. GRCh37 (hg19): chr21:46,925,146-46,925,290.
Other names: c.3544_3545insGTAAGTCAGTGGGGAGTGGGCCCCGGGCAGAGGCCGCCTCGTGTGGCTTCGTGTTCCCACCTTGGTTTCTCTCCTGCAGCTATCAGCGTTCCCGGCCCCCCAGGCCCCCCAGGGCCCCCTTCATTTCCTGGCCCTCACAGGCAGAGTAAGTCAGTGGGGAGTGGGCCCCGGGCAGAGGCCGCCTCGTGTGGCTTCGTGTTCCCACCTTGGTTTCTCTCCTGCAG, p.Thr1182delinsSerLysSerValGlySerGlyProArgAlaGluAlaAlaSerCysGlyPheValPheProProTrpPheLeuSerCysSerTyrGlnArgSerArgProProArgProProArgAlaProPheIleSerTrpProSerGlnAlaGluTer (NM_030582.4); c.4249_4250insGTAAGTCAGTGGGGAGTGGGCCCCGGGCAGAGGCCGCCTCGTGTGGCTTCGTGTTCCCACCTTGGTTTCTCTCCTGCAGCTATCAGCGTTCCCGGCCCCCCAGGCCCCCCAGGGCCCCCTTCATTTCCTGGCCCTCACAGGCAGAGTAAGTCAGTGGGGAGTGGGCCCCGGGCAGAGGCCGCCTCGTGTGGCTTCGTGTTCCCACCTTGGTTTCTCTCCTGCAG, p.Thr1417delinsSerLysSerValGlySerGlyProArgAlaGluAlaAlaSerCysGlyPheValPheProProTrpPheLeuSerCysSerTyrGlnArgSerArgProProArgProProArgAlaProPheIleSerTrpProSerGlnAlaGluTer (NM_130444.3).
Identifiers: ClinVar variation 4730422 (VCV004730422.1).

ClinVar aggregate classification (germline): Pathogenic (1 of 4 stars; one submission).

Submission:

Labcorp Genetics (formerly Invitae), Labcorp
Classification: Pathogenic. Last evaluated: 2025-11-10. Review status: criteria provided, single submitter. Criteria: Invitae Variant Classification Sherloc (09022015). Collection method: clinical testing. Allele origin: germline.
Comment: This sequence change creates a premature translational stop signal (p.Gly1016Serfs*116) in the COL18A1 gene. It is expected to result in an absent or disrupted protein product. Loss-of-function variants in COL18A1 are known to be pathogenic (PMID: 12415512, 25456301). This variant is not present in population databases (gnomAD no frequency). This variant has not been reported in the literature in individuals affected with COL18A1-related conditions. For these reasons, this variant has been classified as Pathogenic.

Literature cited by the submitters: PubMed 12415512; PubMed 25456301.